The following is an entry in ClinVar:

ClinVar aggregate classification (germline): Uncertain significance (1 of 4 stars; one submission).

Allele frequency attached by ClinVar (database versions not stated): gnomAD exomes below 0.00001; gnomAD 0.00001; TOPMed 0.00001; ESP Exome Variant Server 0.00008.
gnomAD v4.1: 8 of 1,613,444 alleles (0.0005%); highest among the groups gnomAD compares: Non-Finnish European, 0.00068%; no homozygotes.

Submission:

Labcorp Genetics (formerly Invitae), Labcorp
Classification: Uncertain significance. Last evaluated: 2022-07-30. Review status: criteria provided, single submitter. Criteria: Invitae Variant Classification Sherloc (09022015). Collection method: clinical testing. Allele origin: germline.
Comment: This sequence change replaces serine, which is neutral and polar, with leucine, which is neutral and non-polar, at codon 742 of the RUSC2 protein (p.Ser742Leu). In summary, the available evidence is currently insufficient to determine the role of this variant in disease. Therefore, it has been classified as a Variant of Uncertain Significance. Algorithms developed to predict the effect of missense changes on protein structure and function (SIFT, PolyPhen-2, Align-GVGD) all suggest that this variant is likely to be tolerated. This variant has not been reported in the literature in individuals affected with RUSC2-related conditions. This variant is present in population databases (rs145369360, gnomAD 0.002%).

NM_014806.5(RUSC2):c.2225C>T (p.Ser742Leu)

Gene: RUSC2 (RUN and SH3 domain containing 2; plus strand). Cytogenetic location: 9p13.3.
Variant type: single nucleotide variant.
Coding change: c.2225C>T on transcript NM_014806.5 (MANE Select); coding-DNA position 2225, C replaced by T.
Protein change: p.Ser742Leu; replaces serine 742 with leucine.
Molecular consequence: missense variant. On other transcripts: 5 prime UTR variant (1), non-coding transcript variant (1).
Genome position (GRCh38, 1-based): chr9:35,555,270, C>T. VCF-style: chr9-35555270-C-T. GRCh37 (hg19) VCF-style: chr9-35555267-C-T.
Other names: c.2225C>T, p.Ser742Leu (NM_001135999.2); c.-410C>T (NM_001330740.2); short protein forms S742L.
Identifiers: ClinVar variation 1920085 (VCV001920085.5), dbSNP rs145369360, ClinGen allele CA5043828.